The following is an entry in ClinVar:

NM_003172.4(SURF1):c.769G>A (p.Gly257Arg)

Gene: SURF1 (SURF1 cytochrome c oxidase assembly factor; minus strand). Cytogenetic location: 9q34.2.
Variant type: single nucleotide variant.
Coding change: c.769G>A on transcript NM_003172.4 (MANE Select); coding-DNA position 769, G replaced by A.
Protein change: p.Gly257Arg; replaces glycine 257 with arginine.
Molecular consequence: missense variant.
Genome position (GRCh38, 1-based): chr9:133,352,125, C>T on the plus strand (G>A on the coding strand, the complement: SURF1 is on the minus strand). VCF-style: chr9-133352125-C-T. GRCh37 (hg19) VCF-style: chr9-136218980-C-T.
Other names: c.442G>A, p.Gly148Arg (NM_001280787.1); short protein forms G148R, G257R.
Identifiers: ClinVar variation 1939932 (VCV001939932.6), dbSNP rs2490613891, ClinGen allele CA375693551.

ClinVar aggregate classification (germline): Pathogenic/Likely pathogenic. Review status: criteria provided, multiple submitters, no conflicts (2 of 4 stars). 2 submissions from 2 submitters: Pathogenic (1); Likely pathogenic (1). Last evaluated 2024-05-30.

Conditions:
Mitochondrial complex IV deficiency, nuclear type 1 (MC4DN1). Also called: COX DEFICIENCY; Mitochondrial complex IV deficiency; Complex 4 mitochondrial respiratory chain deficiency; Deficiency of mitochondrial respiratory chain complex4; Complex IV deficiency. Identifiers: MedGen C5435656, MONDO:0700250, OMIM 220110. Disease mechanism: loss of function.
Charcot-Marie-Tooth disease type 4K. Also called: CHARCOT-MARIE-TOOTH DISEASE, DEMYELINATING, AUTOSOMAL RECESSIVE, TYPE 4K; CHARCOT-MARIE-TOOTH NEUROPATHY, DEMYELINATING, AUTOSOMAL RECESSIVE, TYPE 4K; CHARCOT-MARIE-TOOTH DISEASE, DEMYELINATING, TYPE 4K. Identifiers: Orphanet 391351, MedGen C4225246, MONDO:0014733, OMIM 616684.
Leigh syndrome (NULS). Also called: Leigh's syndrome; Leigh Disease; Subacute necrotizing encephalopathy; Necrotizing encephalopathy infantile subacute of Leigh; Leigh Syndrome (mtDNA deletion); LEIGH SYNDROME, NUCLEAR. Identifiers: Orphanet 506, MedGen C2931891, MONDO:0009723, OMIM 256000.

Allele frequency attached by ClinVar (database versions not stated): gnomAD exomes below 0.00001.

Submissions (2):

Labcorp Genetics (formerly Invitae), Labcorp
Classification: Pathogenic for Leigh syndrome. Last evaluated: 2024-05-30. Review status: criteria provided, single submitter. Criteria: Invitae Variant Classification Sherloc (09022015). Collection method: clinical testing. Allele origin: germline.
Comment: This sequence change replaces glycine, which is neutral and non-polar, with arginine, which is basic and polar, at codon 257 of the SURF1 protein (p.Gly257Arg). This variant is not present in population databases (gnomAD no frequency). This missense change has been observed in individual(s) with mitochondrial complex IV deficiency (PMID: 22488715, 33013660, 33134083). In at least one individual the data is consistent with being in trans (on the opposite chromosome) from a pathogenic variant. ClinVar contains an entry for this variant (Variation ID: 1939932). Advanced modeling of protein sequence and biophysical properties (such as structural, functional, and spatial information, amino acid conservation, physicochemical variation, residue mobility, and thermodynamic stability) performed at Invitae indicates that this missense variant is expected to disrupt SURF1 protein function with a positive predictive value of 80%. For these reasons, this variant has been classified as Pathogenic.

Fulgent Genetics
Classification: Likely pathogenic for Mitochondrial complex IV deficiency, nuclear type 1; Charcot-Marie-Tooth disease type 4K. Last evaluated: 2024-01-30. Review status: criteria provided, single submitter. Criteria: ACMG Guidelines, 2015. Collection method: clinical testing. Allele origin: germline.

Literature cited by the submitters: PubMed 22488715 (cited by Labcorp Genetics (formerly Invitae), Labcorp); PubMed 33013660 (cited by Labcorp Genetics (formerly Invitae), Labcorp); PubMed 33134083 (cited by Labcorp Genetics (formerly Invitae), Labcorp).